The following is an entry in ClinVar:

ClinVar aggregate classification (germline): Uncertain significance (1 of 4 stars; one submission).

gnomAD v4.1: 55 of 1,613,514 alleles (0.0034%); highest among the groups gnomAD compares: Non-Finnish European, 0.004%; no homozygotes.

Submission:

Labcorp Genetics (formerly Invitae), Labcorp
Classification: Uncertain significance. Last evaluated: 2021-04-16. Review status: criteria provided, single submitter. Criteria: Invitae Variant Classification Sherloc (09022015). Collection method: clinical testing. Allele origin: germline.
Comment: Algorithms developed to predict the effect of missense changes on protein structure and function are either unavailable or do not agree on the potential impact of this missense change (SIFT: "Deleterious"; PolyPhen-2: "Probably Damaging"; Align-GVGD: "Class C0"). This variant has not been reported in the literature in individuals with VPS33A-related conditions. This variant is present in population databases (rs553739291, ExAC 0.006%). This sequence change replaces threonine with methionine at codon 170 of the VPS33A protein (p.Thr170Met). The threonine residue is moderately conserved and there is a moderate physicochemical difference between threonine and methionine. In summary, the available evidence is currently insufficient to determine the role of this variant in disease. Therefore, it has been classified as a Variant of Uncertain Significance.

NM_022916.6(VPS33A):c.509C>T (p.Thr170Met)

Gene: VPS33A (VPS33A core subunit of CORVET and HOPS complexes; minus strand). Cytogenetic location: 12q24.31.
Variant type: single nucleotide variant.
Coding change: c.509C>T on transcript NM_022916.6 (MANE Select); coding-DNA position 509, C replaced by T.
Protein change: p.Thr170Met; replaces threonine 170 with methionine.
Molecular consequence: missense variant.
Genome position (GRCh38, 1-based): chr12:122,251,074, G>A on the plus strand (C>T on the coding strand, the complement: VPS33A is on the minus strand). VCF-style: chr12-122251074-G-A. GRCh37 (hg19) VCF-style: chr12-122735621-G-A.
Other names: c.476C>T, p.Thr159Met (NM_001351018.2); c.461C>T, p.Thr154Met (NM_001351019.2); c.509C>T, p.Thr170Met (NM_001351020.2); short protein forms T154M, T159M, T170M.
Identifiers: ClinVar variation 1498708 (VCV001498708.8), dbSNP rs553739291, ClinGen allele CA6844579.
Genomic context (GRCh38, chr12:122,251,074, plus strand): 5'-GGGATCGTTCCATACAGAGCTTGCAGGGTCATCAGCCCCTTGGCTGCGTGGTACAGGCTC[G>A]TCTGGTCACCCTCCAGGTAGCACTCCTGTGAGGGAAAAGGCCAATTATTGCCAGGCCATG-3'
Protein context (NP_075067.2, residues 160-180): FKECYLEGDQ[Thr170Met]SLYHAAKGLM